The following is an entry in ClinVar:

NM_001042681.2(RERE):c.2303C>G (p.Pro768Arg)

Gene: RERE (arginine-glutamic acid dipeptide repeats; minus strand). Cytogenetic location: 1p36.23.
Variant type: single nucleotide variant.
Coding change: c.2303C>G on transcript NM_001042681.2 (MANE Select); coding-DNA position 2303, C replaced by G.
Protein change: p.Pro768Arg; replaces proline 768 with arginine.
Molecular consequence: missense variant.
Genome position (GRCh38, 1-based): chr1:8,361,204, G>C on the plus strand (C>G on the coding strand, the complement: RERE is on the minus strand). VCF-style: chr1-8361204-G-C. GRCh37 (hg19) VCF-style: chr1-8421264-G-C.
Other names: c.641C>G, p.Pro214Arg (NM_001042682.2); c.2303C>G, p.Pro768Arg (NM_012102.4); short protein forms P214R, P768R.
Identifiers: ClinVar variation 3764442 (VCV003764442.1).

ClinVar aggregate classification (germline): Uncertain significance (1 of 4 stars; one submission).

Submission:

GeneDx
Classification: Uncertain significance. Last evaluated: 2024-08-21. Review status: criteria provided, single submitter. Criteria: GeneDx Variant Classification Process June 2021. Collection method: clinical testing. Allele origin: germline. Affected: yes.
Comment: Not observed at significant frequency in large population cohorts (gnomAD); In silico analysis supports that this missense variant has a deleterious effect on protein structure/function; Has not been previously published as pathogenic or benign to our knowledge